The following is an entry in ClinVar:

NM_024422.6(DSC2):c.1889-36T>C

Gene: DSC2 (desmocollin 2; minus strand). Cytogenetic location: 18q12.1.
Variant type: single nucleotide variant.
Coding change: c.1889-36T>C on transcript NM_024422.6 (MANE Select); 36 bases into the intron before coding-DNA position 1889, T replaced by C.
Molecular consequence: intron variant.
Genome position (GRCh38, 1-based): chr18:31,071,877, A>G on the plus strand (T>C on the coding strand, the complement: DSC2 is on the minus strand). VCF-style: chr18-31071877-A-G. GRCh37 (hg19) VCF-style: chr18-28651843-A-G.
Other names: c.1889-36T>C (NM_004949.5).
Identifiers: ClinVar variation 671451 (VCV000671451.1), dbSNP rs74374471, ClinGen allele CA033749.

ClinVar aggregate classification (germline): Likely benign (1 of 4 stars; one submission).

Allele frequency attached by ClinVar (database versions not stated): gnomAD exomes 0.00056 and 0.00180; ExAC 0.00237; gnomAD 0.00646 and 0.00684; TOPMed 0.00698; 1000 Genomes Project 0.00759; 1000 Genomes Project 30x 0.00859; ESP Exome Variant Server 0.00777.
gnomAD v4.1: 1,796 of 1,526,874 alleles (0.12%); highest among the groups gnomAD compares: African/African-American, 2.2%; 19 homozygotes.

Submission:

GeneDx
Classification: Likely benign. Last evaluated: 2018-06-14. Review status: criteria provided, single submitter. Criteria: GeneDx Variant Classification (06012015). Collection method: clinical testing. Allele origin: germline. Affected: yes.
Comment: This variant is considered likely benign or benign based on one or more of the following criteria: it is a conservative change, it occurs at a poorly conserved position in the protein, it is predicted to be benign by multiple in silico algorithms, and/or has population frequency not consistent with disease.